The following is an entry in ClinVar:

ClinVar aggregate classification (germline): Uncertain significance (1 of 4 stars; one submission).

Conditions:
Dilated cardiomyopathy 1DD (CMD1DD). Identifiers: Orphanet 154, MedGen C2750995, MONDO:0013168, OMIM 613172.

Submission:

Labcorp Genetics (formerly Invitae), Labcorp
Classification: Uncertain significance for Dilated cardiomyopathy 1DD. Last evaluated: 2022-06-15. Review status: criteria provided, single submitter. Criteria: Invitae Variant Classification Sherloc (09022015). Collection method: clinical testing. Allele origin: germline.
Comment: In summary, the available evidence is currently insufficient to determine the role of this variant in disease. Therefore, it has been classified as a Variant of Uncertain Significance. Advanced modeling of protein sequence and biophysical properties (such as structural, functional, and spatial information, amino acid conservation, physicochemical variation, residue mobility, and thermodynamic stability) performed at Invitae indicates that this missense variant is expected to disrupt RBM20 protein function. This variant has not been reported in the literature in individuals affected with RBM20-related conditions. This variant is not present in population databases (gnomAD no frequency). This sequence change replaces alanine, which is neutral and non-polar, with valine, which is neutral and non-polar, at codon 116 of the RBM20 protein (p.Ala116Val).

NM_001134363.3(RBM20):c.347C>T (p.Ala116Val)

Gene: RBM20 (RNA binding motif protein 20; plus strand). Cytogenetic location: 10q25.2.
Variant type: single nucleotide variant.
Coding change: c.347C>T on transcript NM_001134363.3 (MANE Select); coding-DNA position 347, C replaced by T.
Protein change: p.Ala116Val; replaces alanine 116 with valine.
Molecular consequence: missense variant.
Genome position (GRCh38, 1-based): chr10:110,780,956, C>T. VCF-style: chr10-110780956-C-T. GRCh37 (hg19) VCF-style: chr10-112540714-C-T.
Other names: short protein forms A116V.
Identifiers: ClinVar variation 2006859 (VCV002006859.4), dbSNP rs2493409638, ClinGen allele CA378379706.
Genomic context (GRCh38, chr10:110,780,956, plus strand): 5'-CCCAGCTCACCCTCCACCGGCTGAAGCTGGCACAGACAGCTGTCACCAACAACACTGCAG[C>T]CGCCACAGTCCTGAACCAAGTCCTCTCCAAAGTGGCCATGTCCCAGCCTCTCTTCAATCA-3'
Protein context (NP_001127835.2, residues 106-126): AQTAVTNNTA[Ala116Val]ATVLNQVLSK